The following is an entry in ClinVar:

NM_014921.5(ADGRL1):c.3233C>T (p.Thr1078Ile)

Genes: ADGRL1 (adhesion G protein-coupled receptor L1; minus strand), ADGRL1-AS1 (ADGRL1 antisense RNA 1; plus strand). Cytogenetic location: 19p13.12.
Variant type: single nucleotide variant.
Coding change: c.3233C>T on transcript NM_014921.5 (MANE Select); coding-DNA position 3233, C replaced by T.
Protein change: p.Thr1078Ile; replaces threonine 1078 with isoleucine.
Molecular consequence: missense variant. On other transcripts: non-coding transcript variant (1).
Genome position (GRCh38, 1-based): chr19:14,155,420, G>A on the plus strand (C>T on the coding strand, the complement: ADGRL1 is on the minus strand). VCF-style: chr19-14155420-G-A. GRCh37 (hg19) VCF-style: chr19-14266232-G-A.
Other names: c.3248C>T, p.Thr1083Ile (NM_001008701.3); short protein forms T1078I, T1083I.
Identifiers: ClinVar variation 4976707 (VCV004976707.1).
Genomic context (GRCh38, chr19:14,155,420, plus strand): 5'-TTCTTCTGTAAGGCGCAGTGAAAGACGAAGATGAAGACCCCCTGGAAGGCGTTGAAGGTG[G>A]TGAAGAGATAGGCCATGACCACCGACTCCTTGTTGATGAAGAGGAGGCCGAAAGCCCAGG-3'
Protein context (NP_055736.2, residues 1068-1088): KESVVMAYLF[Thr1078Ile]TFNAFQGVFI

ClinVar aggregate classification (germline): Uncertain significance (1 of 4 stars; one submission).

Submission:

GeneDx
Classification: Uncertain significance. Last evaluated: 2024-08-21. Review status: criteria provided, single submitter. Criteria: GeneDx Variant Classification Process June 2021. Collection method: clinical testing. Allele origin: germline.
Comment: Not observed at significant frequency in large population cohorts (gnomAD); In silico analysis supports that this missense variant has a deleterious effect on protein structure/function; Has not been previously published as pathogenic or benign to our knowledge; Variants in candidate genes are classified as variants of uncertain significance in accordance with ACMG guidelines (PMID: 25741868)